The following is an entry in ClinVar:

NM_014244.5(ADAMTS2):c.3598G>C (p.Asp1200His)

Gene: ADAMTS2 (ADAM metallopeptidase with thrombospondin type 1 motif 2; minus strand). Cytogenetic location: 5q35.3.
Variant type: single nucleotide variant.
Coding change: c.3598G>C on transcript NM_014244.5 (MANE Select); coding-DNA position 3598, G replaced by C.
Protein change: p.Asp1200His; replaces aspartic acid 1200 with histidine.
Molecular consequence: missense variant.
Genome position (GRCh38, 1-based): chr5:179,113,905, C>G on the plus strand (G>C on the coding strand, the complement: ADAMTS2 is on the minus strand). VCF-style: chr5-179113905-C-G. GRCh37 (hg19) VCF-style: chr5-178540906-C-G.
Other names: short protein forms D1200H.
Identifiers: ClinVar variation 4525782 (VCV004525782.1).

ClinVar aggregate classification (germline): Uncertain significance (1 of 4 stars; one submission).

gnomAD v4.1: 2 of 1,614,194 alleles (0.00012%); highest among the groups gnomAD compares: Non-Finnish European, 0.00017%; no homozygotes.

Submission:

Women's Health and Genetics/Laboratory Corporation of America, LabCorp
Classification: Uncertain significance. Last evaluated: 2025-07-30. Review status: criteria provided, single submitter. Criteria: LabCorp Variant Classification Summary - May 2015. Collection method: clinical testing. Allele origin: germline.
Comment: Variant summary: ADAMTS2 c.3598G>C (p.Asp1200His) results in a non-conservative amino acid change in the encoded protein sequence. Algorithms developed to predict the effect of missense changes on protein structure and function are either unavailable or do not agree on the potential impact of this missense change. The variant was absent in 251490 control chromosomes (gnomAD). The available data on variant occurrences in the general population are insufficient to allow any conclusion about variant significance. To our knowledge, no occurrence of c.3598G>C in individuals affected with Ehlers-Danlos syndrome, dermatosparaxis type and no experimental evidence demonstrating its impact on protein function have been reported. No submitters have cited clinical-significance assessments for this variant to ClinVar. Based on the evidence outlined above, the variant was classified as uncertain significance.